The following is an entry in ClinVar:

ClinVar aggregate classification (germline): Uncertain significance. Review status: criteria provided, multiple submitters, no conflicts (2 of 4 stars). 3 submissions from 3 submitters: Uncertain significance (3). Last evaluated 2025-08-01.

Conditions:
Inborn genetic diseases. Identifiers: MedGen C0950123, MeSH D030342.
Isolated thyroid-stimulating hormone deficiency. Also called: Hypothryoidism, congenital, nongoitrous 4; PITUITARY CRETINISM; THYROID-STIMULATING HORMONE DEFICIENCY; THYROTROPIN DEFICIENCY, ISOLATED; TSH DEFICIENCY; Thyroid-stimulating hormone, deficiency of. Identifiers: Orphanet 90674, MedGen C0271789, MONDO:0010139, OMIM 275100.

Allele frequency attached by ClinVar (database versions not stated): ExAC 0.00013; gnomAD exomes 0.00013; gnomAD 0.00025 and 0.00026; TOPMed 0.00054; 1000 Genomes Project 0.00060; 1000 Genomes Project 30x 0.00062.
gnomAD v4.1: 108 of 1,613,760 alleles (0.0067%); highest among the groups gnomAD compares: Admixed American, 0.097%; 1 homozygote.

Submissions (3):

Ambry Genetics
Classification: Uncertain significance for Inborn genetic diseases. Last evaluated: 2025-08-01. Review status: criteria provided, single submitter. Criteria: Ambry Variant Classification Scheme 2023. Collection method: clinical testing. Allele origin: germline.

GeneDx
Classification: Uncertain significance. Last evaluated: 2025-03-17. Review status: criteria provided, single submitter. Criteria: GeneDx Variant Classification Process June 2021. Collection method: clinical testing. Allele origin: germline. Affected: yes.
Comment: In silico analysis supports that this missense variant has a deleterious effect on protein structure/function; Has not been previously published as pathogenic or benign to our knowledge

Illumina Laboratory Services, Illumina
Classification: Uncertain significance for Isolated thyroid-stimulating hormone deficiency. Last evaluated: 2018-01-12. Review status: criteria provided, single submitter. Criteria: ICSL Variant Classification Criteria 13 December 2019. Collection method: clinical testing. Allele origin: germline.

NM_000549.5(TSHB):c.256G>A (p.Gly86Arg)

Gene: TSHB (thyroid stimulating hormone subunit beta; plus strand). Cytogenetic location: 1p13.2.
Variant type: single nucleotide variant.
Coding change: c.256G>A on transcript NM_000549.5 (MANE Select); coding-DNA position 256, G replaced by A.
Protein change: p.Gly86Arg; replaces glycine 86 with arginine.
Molecular consequence: missense variant.
Genome position (GRCh38, 1-based): chr1:115,034,066, G>A. VCF-style: chr1-115034066-G-A. GRCh37 (hg19) VCF-style: chr1-115576687-G-A.
Other names: c.121G>A, p.Gly41Arg (NM_001277991.1); c.256G>A (NM_000549.3); short protein forms G86R, G41R.
Identifiers: ClinVar variation 291985 (VCV000291985.7), dbSNP rs190110651, ClinGen allele CA1022575.
Genomic context (GRCh38, chr1:115,034,066, plus strand): 5'-GCTCTGTCCCAGGATGTTTGCACATATAGAGACTTCATCTACAGGACTGTAGAAATACCA[G>A]GATGCCCACTCCATGTTGCTCCCTATTTTTCCTATCCTGTTGCTTTAAGCTGTAAGTGTG-3'
Protein context (NP_000540.2, residues 76-96): DFIYRTVEIP[Gly86Arg]CPLHVAPYFS